The following is an entry in ClinVar:

ClinVar aggregate classification (germline): Uncertain significance (1 of 4 stars; one submission).

Submission:

Labcorp Genetics (formerly Invitae), Labcorp
Classification: Uncertain significance. Last evaluated: 2021-05-28. Review status: criteria provided, single submitter. Criteria: Invitae Variant Classification Sherloc (09022015). Collection method: clinical testing. Allele origin: germline.
Comment: This sequence change affects an acceptor splice site in intron 7 of the NLRP1 gene. It is expected to disrupt RNA splicing. Variants that disrupt the donor or acceptor splice site typically lead to a loss of protein function (PMID: 16199547), however the current clinical and genetic evidence is not sufficient to establish whether loss-of-function variants in NLRP1 cause disease. This variant is not present in population databases (ExAC no frequency). This variant has not been reported in the literature in individuals with NLRP1-related conditions. Algorithms developed to predict the effect of sequence changes on RNA splicing suggest that this variant may disrupt the consensus splice site, but this prediction has not been confirmed by published transcriptional studies. In summary, the available evidence is currently insufficient to determine the role of this variant in disease. Therefore, it has been classified as a Variant of Uncertain Significance.

Literature cited by the submitters: PubMed 16199547.

NM_033004.4(NLRP1):c.2871-1G>T

Gene: NLRP1 (NLR family pyrin domain containing 1; minus strand). Cytogenetic location: 17p13.2.
Variant type: single nucleotide variant.
Coding change: c.2871-1G>T on transcript NM_033004.4 (MANE Select); the canonical splice acceptor site of the intron before coding-DNA position 2871, G replaced by T.
Molecular consequence: splice acceptor variant. On other transcripts: intron variant (2).
Genome position (GRCh38, 1-based): chr17:5,536,941, C>A on the plus strand (G>T on the coding strand, the complement: NLRP1 is on the minus strand). VCF-style: chr17-5536941-C-A. GRCh37 (hg19) VCF-style: chr17-5440261-C-A.
Other names: c.2871-1G>T (NM_001033053.3, NM_014922.5); c.2870+2474G>T (NM_033007.4, NM_033006.4).
Identifiers: ClinVar variation 1447267 (VCV001447267.8), dbSNP rs2151766226, ClinGen allele CA397375983.